The following is an entry in ClinVar:

ClinVar aggregate classification (germline): Uncertain significance (1 of 4 stars; one submission).

gnomAD v4.1: 7 of 1,614,190 alleles (0.00043%); highest among the groups gnomAD compares: South Asian, 0.0077%; no homozygotes.

Submission:

Women's Health and Genetics/Laboratory Corporation of America, LabCorp
Classification: Uncertain significance. Last evaluated: 2024-06-26. Review status: criteria provided, single submitter. Criteria: LabCorp Variant Classification Summary - May 2015. Collection method: clinical testing. Allele origin: germline.
Comment: Variant summary: TSHR c.984G>T (p.Glu328Asp) results in a conservative amino acid change in the encoded protein sequence. Five of five in-silico tools predict a benign effect of the variant on protein function. The variant allele was found at a frequency of 8e-06 in 251468 control chromosomes. The available data on variant occurrences in the general population are insufficient to allow any conclusion about variant significance. To our knowledge, no occurrence of c.984G>T in individuals affected with Hypothyroidism Due To TSH Receptor Mutations and no experimental evidence demonstrating its impact on protein function have been reported. No submitters have cited clinical-significance assessments for this variant to ClinVar. Based on the evidence outlined above, the variant was classified as uncertain significance.

NM_000369.5(TSHR):c.984G>T (p.Glu328Asp)

Genes: TSHR (thyroid stimulating hormone receptor; plus strand), TSHR-AS1 (TSHR antisense RNA 1; minus strand). Cytogenetic location: 14q31.1.
Variant type: single nucleotide variant.
Coding change: c.984G>T on transcript NM_000369.5 (MANE Select); coding-DNA position 984, G replaced by T.
Protein change: p.Glu328Asp; replaces glutamic acid 328 with aspartic acid.
Molecular consequence: missense variant.
Genome position (GRCh38, 1-based): chr14:81,143,042, G>T. VCF-style: chr14-81143042-G-T. GRCh37 (hg19) VCF-style: chr14-81609386-G-T.
Other names: short protein forms E328D.
Identifiers: ClinVar variation 3339582 (VCV003339582.1).